The following is an entry in ClinVar:

NM_001205293.3(CACNA1E):c.5342G>A (p.Cys1781Tyr)

Gene: CACNA1E (calcium voltage-gated channel subunit alpha1 E; plus strand). Cytogenetic location: 1q25.3.
Variant type: single nucleotide variant.
Coding change: c.5342G>A on transcript NM_001205293.3 (MANE Select); coding-DNA position 5342, G replaced by A.
Protein change: p.Cys1781Tyr; replaces cysteine 1781 with tyrosine.
Molecular consequence: missense variant.
Genome position (GRCh38, 1-based): chr1:181,781,501, G>A. VCF-style: chr1-181781501-G-A. GRCh37 (hg19) VCF-style: chr1-181750637-G-A.
Other names: c.5342G>A, p.Cys1781Tyr (NM_000721.4); c.5285G>A, p.Cys1762Tyr (NM_001205294.2); short protein forms C1762Y, C1781Y.
Identifiers: ClinVar variation 4072761 (VCV004072761.1).

ClinVar aggregate classification (germline): Uncertain significance (1 of 4 stars; one submission).

Submission:

GeneDx
Classification: Uncertain significance. Last evaluated: 2025-01-31. Review status: criteria provided, single submitter. Criteria: GeneDx Variant Classification Process June 2021. Collection method: clinical testing. Allele origin: germline. Affected: yes.
Comment: Not observed at significant frequency in large population cohorts (gnomAD); In silico analysis supports that this missense variant has a deleterious effect on protein structure/function; Has not been previously published as pathogenic or benign to our knowledge